The following is an entry in ClinVar:

NM_004082.5(DCTN1):c.2794C>T (p.Arg932Cys)

Gene: DCTN1 (dynactin subunit 1; minus strand). Cytogenetic location: 2p13.1.
Variant type: single nucleotide variant.
Coding change: c.2794C>T on transcript NM_004082.5 (MANE Select); coding-DNA position 2794, C replaced by T.
Protein change: p.Arg932Cys; replaces arginine 932 with cysteine.
Molecular consequence: missense variant. On other transcripts: non-coding transcript variant (1).
Genome position (GRCh38, 1-based): chr2:74,365,985, G>A on the plus strand (C>T on the coding strand, the complement: DCTN1 is on the minus strand). VCF-style: chr2-74365985-G-A. GRCh37 (hg19) VCF-style: chr2-74593112-G-A.
Other names: p.Arg932Cys; c.2734C>T, p.Arg912Cys (NM_001135040.3); c.2392C>T, p.Arg798Cys (NM_001135041.3, NM_023019.4); c.2683C>T, p.Arg895Cys (NM_001190836.2); c.2773C>T, p.Arg925Cys (NM_001190837.2); c.2743C>T, p.Arg915Cys (NM_001378991.1); c.2725C>T, p.Arg909Cys (NM_001378992.1); short protein forms R798C, R912C, R895C, R925C, R932C, R915C, R909C.
Identifiers: ClinVar variation 873282 (VCV000873282.15), dbSNP rs373818927, ClinGen allele CA1721712.

ClinVar aggregate classification (germline): Conflicting classifications of pathogenicity. Review status: criteria provided, conflicting classifications (1 of 4 stars). 5 submissions from 5 submitters: Uncertain significance (4); Benign (1). Last evaluated 2025-12-24.

Conditions:
Neuronopathy, distal hereditary motor, type 7B. Also called: NEURONOPATHY, DISTAL HEREDITARY MOTOR, AUTOSOMAL DOMINANT 14; NEURONOPATHY, DISTAL HEREDITARY MOTOR, HARDING TYPE VIIB; NEUROPATHY, DISTAL HEREDITARY MOTOR, HARDING TYPE VIIB; NEUROPATHY, DISTAL HEREDITARY MOTOR, WITH VOCAL CORD PARALYSIS, HARDING TYPE VIIB; Distal Hereditary Motor Neuronopathy Type 7B (dHMN7B); HMN VIIB. Identifiers: Orphanet 139589, MedGen C1843315, MONDO:0011879, OMIM 607641.
Amyotrophic lateral sclerosis type 1 (ALS1). Also called: AMYOTROPHIC LATERAL SCLEROSIS 1, FAMILIAL. Identifiers: Orphanet 803, MedGen C1862939, MONDO:0007103, OMIM 105400.
Perry syndrome. Also called: PARKINSONISM WITH ALVEOLAR HYPOVENTILATION AND MENTAL DEPRESSION. Identifiers: Orphanet 178509, MedGen C1868594, MONDO:0008201, OMIM 168605.
DCTN1-related disorder. Also called: DCTN1-related condition.
Amyotrophic lateral sclerosis (ALS). Also called: Charcot disease; Lou Gehrig disease. Identifiers: Orphanet 803, MedGen C0002736, MONDO:0004976, HP:0007354.

Allele frequency attached by ClinVar (database versions not stated): TOPMed 0.00004; ESP Exome Variant Server 0.00008.
gnomAD v4.1: 23 of 1,614,108 alleles (0.0014%); highest among the groups gnomAD compares: South Asian, 0.0066%; no homozygotes.

Submissions (5):

Labcorp Genetics (formerly Invitae), Labcorp
Classification: Uncertain significance for Amyotrophic lateral sclerosis type 1; Neuronopathy, distal hereditary motor, type 7B; Perry syndrome. Last evaluated: 2025-12-24. Review status: criteria provided, single submitter. Criteria: Invitae Variant Classification Sherloc (09022015). Collection method: clinical testing. Allele origin: germline.
Comment: This sequence change replaces arginine, which is basic and polar, with cysteine, which is neutral and slightly polar, at codon 932 of the DCTN1 protein (p.Arg932Cys). This variant is present in population databases (rs373818927, gnomAD 0.01%). This missense change has been observed in individual(s) with amyotrophic lateral sclerosis (PMID: 34275688). This variant is also known as c.C2392T:p.R798C. ClinVar contains an entry for this variant (Variation ID: 873282). Invitae Evidence Modeling of protein sequence and biophysical properties (such as structural, functional, and spatial information, amino acid conservation, physicochemical variation, residue mobility, and thermodynamic stability) has been performed for this missense variant. However, the output from this modeling did not meet the statistical confidence thresholds required to predict the impact of this variant on DCTN1 protein function. In summary, the available evidence is currently insufficient to determine the role of this variant in disease. Therefore, it has been classified as a Variant of Uncertain Significance.

PreventionGenetics, part of Exact Sciences
Classification: Uncertain significance for DCTN1-related condition. Last evaluated: 2025-11-11. Review status: criteria provided, single submitter. Criteria: ACMG Guidelines, 2015. Collection method: clinical testing. Allele origin: germline.
Comment: The DCTN1 c.2794C>T variant is predicted to result in the amino acid substitution p.Arg932Cys. This variant has been reported in individuals with amyotrophic lateral sclerosis (Table A5, Tunca et al. 2020. PubMed ID: 32579787; Table S2: referred to as NM_1135041: R798C in Liu et al. 2021. PubMed ID: 34275688). This variant is reported in 0.013% of alleles in individuals of South Asian descent in gnomAD. At this time, the clinical significance of this variant is uncertain due to the absence of conclusive functional and genetic evidence.

Mayo Clinic Laboratories, Mayo Clinic
Classification: Uncertain significance. Last evaluated: 2025-07-16. Review status: criteria provided, single submitter. Criteria: ACMG Guidelines, 2015. Collection method: clinical testing. Allele origin: germline. Observed: 1 variant allele.
Comment: PP3

CeGaT Center for Human Genetics Tuebingen
Classification: Uncertain significance. Last evaluated: 2025-02-01. Review status: criteria provided, single submitter. Criteria: CeGaT Center For Human Genetics Tuebingen Variant Classification Criteria Version 2. Collection method: clinical testing. Allele origin: germline. Affected: yes. Observed: 1 variant allele.
Comment: DCTN1: PM2:Supporting, PP3

Suna and Inan Kirac Foundation Neurodegeneration Research Laboratory, Koc University
Classification: Benign for Amyotrophic lateral sclerosis. Last evaluated: 2020-03-31. Review status: criteria provided, single submitter. Criteria: ACMG Guidelines, 2015. Collection method: research. Allele origin: germline. Affected: yes and no. Observed: 2 variant alleles.

Literature cited by the submitters: PubMed 34275688 (cited by Labcorp Genetics (formerly Invitae), Labcorp and Mayo Clinic Laboratories, Mayo Clinic).